The following is an entry in ClinVar:

NM_001164277.2(SLC37A4):c.986-12T>C

Gene: SLC37A4 (solute carrier family 37 member 4; minus strand). Cytogenetic location: 11q23.3.
Variant type: single nucleotide variant.
Coding change: c.986-12T>C on transcript NM_001164277.2 (MANE Select); 12 bases into the intron before coding-DNA position 986, T replaced by C.
Molecular consequence: intron variant.
Genome position (GRCh38, 1-based): chr11:119,025,341, A>G on the plus strand (T>C on the coding strand, the complement: SLC37A4 is on the minus strand). VCF-style: chr11-119025341-A-G. GRCh37 (hg19) VCF-style: chr11-118896051-A-G.
Other names: c.767-12T>C (NM_001164279.2); c.986-12T>C (NM_001467.6, NM_001164280.2); c.1052-12T>C (NM_001164278.2).
Identifiers: ClinVar variation 555586 (VCV000555586.5), dbSNP rs1180556897, ClinGen allele CA602577634.

ClinVar aggregate classification (germline): Uncertain significance. Review status: criteria provided, single submitter (1 of 4 stars). 2 submissions from 2 submitters: Uncertain significance (1). 1 of the submissions does not count toward it. Last evaluated 2024-02-06.

Conditions:
Glucose-6-phosphate transport defect (GSD1B). Also called: Glycogen Storage Disease Type Ib; GSD Ib. Identifiers: Orphanet 364, Orphanet 79259, MedGen C0268146, MONDO:0009288, OMIM 232220.

Allele frequency attached by ClinVar (database versions not stated): gnomAD exomes below 0.00001 and 0.00001.

Submissions (2):

Labcorp Genetics (formerly Invitae), Labcorp
Classification: Uncertain significance for Glucose-6-phosphate transport defect. Last evaluated: 2024-02-06. Review status: criteria provided, single submitter. Criteria: Invitae Variant Classification Sherloc (09022015). Collection method: clinical testing. Allele origin: germline.
Comment: This sequence change falls in intron 8 of the SLC37A4 gene. It does not directly change the encoded amino acid sequence of the SLC37A4 protein. This variant is present in population databases (no rsID available, gnomAD 0.002%). This variant has not been reported in the literature in individuals affected with SLC37A4-related conditions. ClinVar contains an entry for this variant (Variation ID: 555586). Algorithms developed to predict the effect of sequence changes on RNA splicing suggest that this variant may create or strengthen a splice site. In summary, the available evidence is currently insufficient to determine the role of this variant in disease. Therefore, it has been classified as a Variant of Uncertain Significance.

Counsyl
Classification: Uncertain significance for Glucose-6-phosphate transport defect. Last evaluated: 2017-12-13. Review status: no assertion criteria provided. Collection method: clinical testing. Allele origin: unknown. Not counted in ClinVar's aggregate classification.